The following is an entry in ClinVar:

ClinVar aggregate classification (germline): Likely benign (1 of 4 stars; one submission).

Submission:

CeGaT Center for Human Genetics Tuebingen
Classification: Likely benign. Last evaluated: 2023-02-01. Review status: criteria provided, single submitter. Criteria: CeGaT Center For Human Genetics Tuebingen Variant Classification Criteria Version 2. Collection method: clinical testing. Allele origin: germline. Affected: yes. Observed: 1 variant allele.
Comment: POLG: PM2:Supporting, BP4, BP7

NM_002693.3(POLG):c.2424C>T (p.Ile808=)

Gene: POLG (DNA polymerase gamma, catalytic subunit; minus strand). Cytogenetic location: 15q26.1.
Variant type: single nucleotide variant.
Coding change: c.2424C>T on transcript NM_002693.3 (MANE Select); coding-DNA position 2424, C replaced by T.
Protein change: p.Ile808=; no amino-acid change (isoleucine 808 retained).
Molecular consequence: synonymous variant.
Genome position (GRCh38, 1-based): chr15:89,322,744, G>A on the plus strand (C>T on the coding strand, the complement: POLG is on the minus strand). VCF-style: chr15-89322744-G-A. GRCh37 (hg19) VCF-style: chr15-89865975-G-A.
Other names: c.2424C>T, p.Ile808= (NM_001126131.2).
Identifiers: ClinVar variation 2498625 (VCV002498625.28), dbSNP rs1567187747, ClinGen allele CA492075573.